The following is an entry in ClinVar:

ClinVar aggregate classification (germline): Uncertain significance. Review status: criteria provided, multiple submitters, no conflicts (2 of 4 stars). 2 submissions from 2 submitters: Uncertain significance (2). Last evaluated 2024-09-08.

Conditions:
Fanconi anemia complementation group O. Also called: RAD51C-Related Fanconi Anemia. Identifiers: Orphanet 84, MedGen C3150653, MONDO:0013248, OMIM 613390.
Hereditary cancer-predisposing syndrome. Also called: Tumor predisposition; Hereditary neoplastic syndrome; Neoplastic Syndromes, Hereditary; Hereditary Cancer Syndrome. Identifiers: Orphanet 140162, MedGen C0027672, MeSH D009386, MONDO:0015356.

Allele frequency attached by ClinVar (database versions not stated): TOPMed 0.00001.

Submissions (2):

Ambry Genetics
Classification: Uncertain significance for Hereditary cancer-predisposing syndrome. Last evaluated: 2024-09-08. Review status: criteria provided, single submitter. Criteria: Ambry Variant Classification Scheme 2023. Collection method: clinical testing. Allele origin: germline.
Comment: The p.N293S variant (also known as c.878A>G), located in coding exon 6 of the RAD51C gene, results from an A to G substitution at nucleotide position 878. The asparagine at codon 293 is replaced by serine, an amino acid with highly similar properties. This amino acid position is conserved. In addition, this alteration is predicted to be tolerated by in silico analysis. Based on the available evidence, the clinical significance of this variant remains unclear.

Labcorp Genetics (formerly Invitae), Labcorp
Classification: Uncertain significance for Fanconi anemia complementation group O. Last evaluated: 2019-09-02. Review status: criteria provided, single submitter. Criteria: Invitae Variant Classification Sherloc (09022015). Collection method: clinical testing. Allele origin: germline.
Comment: In summary, the available evidence is currently insufficient to determine the role of this variant in disease. Therefore, it has been classified as a Variant of Uncertain Significance. Algorithms developed to predict the effect of missense changes on protein structure and function output the following: SIFT: "Tolerated"; PolyPhen-2: "Benign"; Align-GVGD: "Class C0". The serine amino acid residue is found in multiple mammalian species, suggesting that this missense change does not adversely affect protein function. These predictions have not been confirmed by published functional studies and their clinical significance is uncertain. This variant has not been reported in the literature in individuals with RAD51C-related conditions. This variant is not present in population databases (ExAC no frequency). This sequence change replaces asparagine with serine at codon 293 of the RAD51C protein (p.Asn293Ser). The asparagine residue is moderately conserved and there is a small physicochemical difference between asparagine and serine.

NM_058216.3(RAD51C):c.878A>G (p.Asn293Ser)

Gene: RAD51C (RAD51 paralog C; plus strand). Cytogenetic location: 17q22.
Variant type: single nucleotide variant.
Coding change: c.878A>G on transcript NM_058216.3 (MANE Select); coding-DNA position 878, A replaced by G.
Protein change: p.Asn293Ser; replaces asparagine 293 with serine.
Molecular consequence: missense variant. On other transcripts: non-coding transcript variant (1).
Genome position (GRCh38, 1-based): chr17:58,720,786, A>G. VCF-style: chr17-58720786-A-G. GRCh37 (hg19) VCF-style: chr17-56798147-A-G.
Other names: c.878A>G (NM_058216.1); short protein forms N293S.
Identifiers: ClinVar variation 940439 (VCV000940439.10), dbSNP rs1246031520, ClinGen allele CA400359639.